The following is an entry in ClinVar:

NM_006231.4(POLE):c.5399T>C (p.Val1800Ala)

Gene: POLE (DNA polymerase epsilon, catalytic subunit; minus strand). Cytogenetic location: 12q24.33.
Variant type: single nucleotide variant.
Coding change: c.5399T>C on transcript NM_006231.4 (MANE Select); coding-DNA position 5399, T replaced by C.
Protein change: p.Val1800Ala; replaces valine 1800 with alanine.
Molecular consequence: missense variant.
Genome position (GRCh38, 1-based): chr12:132,639,278, A>G on the plus strand (T>C on the coding strand, the complement: POLE is on the minus strand). VCF-style: chr12-132639278-A-G. GRCh37 (hg19) VCF-style: chr12-133215864-A-G.
Other names: short protein forms V1800A.
Identifiers: ClinVar variation 1463591 (VCV001463591.6), dbSNP rs1565933286, ClinGen allele CA387375070.

ClinVar aggregate classification (germline): Uncertain significance (1 of 4 stars; one submission).

Submission:

Labcorp Genetics (formerly Invitae), Labcorp
Classification: Uncertain significance. Last evaluated: 2025-09-16. Review status: criteria provided, single submitter. Criteria: Invitae Variant Classification Sherloc (09022015). Collection method: clinical testing. Allele origin: germline.
Comment: This sequence change replaces valine, which is neutral and non-polar, with alanine, which is neutral and non-polar, at codon 1800 of the POLE protein (p.Val1800Ala). This variant is not present in population databases (gnomAD no frequency). This variant has not been reported in the literature in individuals affected with POLE-related conditions. ClinVar contains an entry for this variant (Variation ID: 1463591). Invitae Evidence Modeling of protein sequence and biophysical properties (such as structural, functional, and spatial information, amino acid conservation, physicochemical variation, residue mobility, and thermodynamic stability) indicates that this missense variant is not expected to disrupt POLE protein function with a negative predictive value of 80%. In summary, the available evidence is currently insufficient to determine the role of this variant in disease. Therefore, it has been classified as a Variant of Uncertain Significance.